The following is an entry in ClinVar:

NM_001034853.2(RPGR):c.2571del (p.Glu859fs)

Gene: RPGR (retinitis pigmentosa GTPase regulator; minus strand). Cytogenetic location: Xp11.4.
Variant type: Deletion.
Coding change: c.2571del on transcript NM_001034853.2 (MANE Select); coding-DNA position 2571, one base deleted (A; older notation c.2571delA).
Protein change: p.Glu859fs; shifts the reading frame from glutamic acid 859.
Molecular consequence: frameshift variant. On other transcripts: intron variant (8).
Genome position (GRCh38, 1-based): chrX:38,286,428, T deleted on the plus strand (A on the coding strand, the reverse complement: RPGR is on the minus strand); the first of 3 consecutive T bases (chrX:38,286,428-38,286,430); deleting any one gives the same sequence. VCF-style (leftmost placement, unchanged base first): chrX-38286427-CT-C. GRCh37 (hg19) VCF-style: chrX-38145680-CT-C.
Other names: NM_001034853.2(RPGR):c.2571del; p.Glu859fs; c.1569+4531del (NM_001367249.1, NM_001367250.1); c.1902+666del (NM_001367245.1); c.1386+4531del (NM_001367251.1); c.1719+666del (NM_001367246.1); c.1572+4531del (NM_001367247.1); c.1905+666del (NM_000328.3); and 1 more; short protein forms E859fs.
Identifiers: ClinVar variation 493515 (VCV000493515.49), dbSNP rs1555961704, ClinGen allele CA658684295.

ClinVar aggregate classification (germline): Conflicting classifications of pathogenicity. Review status: criteria provided, conflicting classifications (1 of 4 stars). 3 submissions from 3 submitters: Pathogenic (1); Likely pathogenic (1); Uncertain significance (1). Last evaluated 2023-05-02.

Conditions:
Primary ciliary dyskinesia. Also called: Ciliary dyskinesia. Identifiers: Orphanet 244, MedGen C0008780, MONDO:0016575, HP:0012265.
RPGR-related retinopathy. Also called: RPGR retinopathy. Identifiers: MedGen CN305589, MONDO:0100437.

Submissions (3):

Broad Center for Mendelian Genomics, Broad Institute of MIT and Harvard
Classification: Uncertain significance for RPGR-related retinopathy. Last evaluated: 2023-05-02. Review status: criteria provided, single submitter. Criteria: ACMG Guidelines, 2015. Collection method: curation. Allele origin: germline. Inheritance: X-linked inheritance.
Comment: The p.Glu859ArgfsTer230 variant in RPGR has been previously reported in two unrelated individuals with retinitis pigmentosa 3 (PMID: 27620828, PMID: 35055178) and segregated with disease in two affected relatives from one family (PMID: 35055178). The number of reported affected individuals with this variant is slightly greater than expected compared to non-affected individuals with this variant. This variant has also been reported in ClinVar (Variation ID: 493515) and has been interpreted as pathogenic by Invitae and as likely pathogenic by CeGaT Center for Human Genetics Tuebingen. This variant was absent from large population studies. This variant is predicted to cause a frameshift, which alters the protein‚Äôs amino acid sequence beginning at position 859 and leads to a premature termination codon 230 amino acids downstream. This termination codon occurs within the last exon and is more likely to escape nonsense mediated decay (NMD) and result in a truncated protein. Loss of function of the RPGR gene is an established disease mechanism in X-linked retinitis pigmentosa 3. In summary, while there is some suspicion for a pathogenic role, the clinical significance of this variant is uncertain. ACMG/AMP Criteria applied: PVS1_Moderate, PS4_Supporting, PM2_Supporting (Richards 2015).

Labcorp Genetics (formerly Invitae), Labcorp
Classification: Pathogenic for Primary ciliary dyskinesia. Last evaluated: 2023-02-11. Review status: criteria provided, single submitter. Criteria: Invitae Variant Classification Sherloc (09022015). Collection method: clinical testing. Allele origin: germline.
Comment: This variant is not present in population databases (gnomAD no frequency). This sequence change creates a premature translational stop signal (p.Glu859Argfs*230) in the RPGR (ORF15) gene. While this is not anticipated to result in nonsense mediated decay, it is expected to disrupt the last 294 amino acid(s) of the RPGR (ORF15) protein. This variant has not been reported in the literature in individuals affected with RPGR (ORF15)-related conditions. For these reasons, this variant has been classified as Pathogenic. This variant disrupts a region of the RPGR (ORF15) protein in which other variant(s) (p.Leu1130Lysfs*13) have been determined to be pathogenic (PMID: 22264887; Invitae). This suggests that this is a clinically significant region of the protein, and that variants that disrupt it are likely to be disease-causing. ClinVar contains an entry for this variant (Variation ID: 493515).

CeGaT Center for Human Genetics Tuebingen
Classification: Likely pathogenic. Last evaluated: 2017-08-01. Review status: criteria provided, single submitter. Criteria: CeGaT Center For Human Genetics Tuebingen Variant Classification Criteria Version 2. Collection method: clinical testing. Allele origin: germline. Affected: yes. Observed: 1 variant allele.

Literature cited by the submitters: PubMed 22264887 (cited by Labcorp Genetics (formerly Invitae), Labcorp).